The following is an entry in ClinVar:

NM_001754.5(RUNX1):c.592G>T (p.Asp198Tyr)

Genes: RUNX1 (RUNX family transcription factor 1; minus strand), RUNX1-AS1 (RUNX1 antisense RNA 1; plus strand). Cytogenetic location: 21q22.12.
Variant type: single nucleotide variant.
Coding change: c.592G>T on transcript NM_001754.5 (MANE Select); coding-DNA position 592, G replaced by T.
Protein change: p.Asp198Tyr; replaces aspartic acid 198 with tyrosine.
Molecular consequence: missense variant.
Genome position (GRCh38, 1-based): chr21:34,859,495, C>A on the plus strand (G>T on the coding strand, the complement: RUNX1 is on the minus strand). VCF-style: chr21-34859495-C-A. GRCh37 (hg19) VCF-style: chr21-36231792-C-A.
Other names: NM_001754.5:c.592G>T; NM_001754.5(RUNX1):c.592G>T; p.Asp198Tyr; c.511G>T, p.Asp171Tyr (NM_001001890.3, NM_001122607.2); short protein forms D171Y, D198Y.
Identifiers: ClinVar variation 2665098 (VCV002665098.7), dbSNP rs2146234838, ClinGen allele CA410207975.

ClinVar aggregate classification (germline): Pathogenic. Review status: reviewed by expert panel (3 of 4 stars). 3 submissions from 3 submitters: Pathogenic (1). 2 of the submissions do not count toward it. Last evaluated 2026-04-29.

Conditions:
Hereditary thrombocytopenia and hematologic cancer predisposition syndrome. Identifiers: Orphanet 71290, MedGen CN281654, MONDO:0011071.
Hereditary thrombocytopenia and hematological cancer predisposition syndrome associated with RUNX1. Also called: PLATELET DISORDER, ASPIRIN-LIKE; Familial Platelet Disorder with Propensity to Acute Myelogenous Leukemia; Familial thrombocytopenia with propensity to acute myelogenous leukemia; RUNX1 Familial Platelet Disorder with Associated Myeloid Malignancies. Identifiers: Orphanet 71290, MedGen C1832388, MeSH C563324, MONDO:0100083, OMIM 601399.

Submissions (3):

ClinGen Myeloid Malignancy Variant Curation Expert Panel
Classification: Pathogenic for Hereditary thrombocytopenia and hematologic cancer predisposition syndrome. Last evaluated: 2026-04-29. Review status: reviewed by expert panel. Criteria: ClinGen MyeloMalig ACMG Specifications V3.1. Collection method: curation. Allele origin: germline. Inheritance: Autosomal dominant inheritance.
Comment: NM_001754.5(RUNX1):c.592G>T (p.Asp198Tyr) is a missense variant which affects on of the hotspot residues (D198) in the RHD (PM1_strong) and is completely absent from all population databases with at least 20x coverage for RUNX1 (PM2_supporting). Yeast assays demonstrated decreased DNA binding, CBFβ binding, and promoter activation (PMID: 17290219, 23848403)(PS3_moderate), and a REVEL score ≥ 0.88 (0.964) supports a deleterious effect (PP3). This variant has been reported in a proband meeting RUNX1 phenotypic criteria and was found to co-segregate with disease in multiple affected family members (PMID: 11675361) (PS4_supporting, PP1). In summary, this variant meets criteria to be classified as pathogenic. ACMG/AMP criteria applied, as specified by the Myeloid Malignancy Variant Curation Expert Panel for RUNX1: PM1_strong, PM2_supporting, PS3_moderate, PP3, PS4_supporting, PP1.

GeneDx
Classification: Pathogenic. Last evaluated: 2025-05-29. Review status: criteria provided, single submitter. Criteria: GeneDx Variant Classification Process June 2021. Collection method: clinical testing. Allele origin: germline. Not counted in ClinVar's aggregate classification.
Comment: Identified in the germline of individuals with a personal and family history consistent with pathogenic variants in this gene referred for genetic testing at GeneDx and in published literature (PMID: 37738626, 11675361); In silico analysis supports that this missense variant has a deleterious effect on protein structure/function; Not observed at significant frequency in large population cohorts (gnomAD); This variant is associated with the following publications: (PMID: 35802949, 17290219, 23848403, Guijarro2024[case Report], Christopeit2017[Poster], 29348313, 11675361, 37738626)

Labcorp Genetics (formerly Invitae), Labcorp
Classification: Likely pathogenic for Hereditary thrombocytopenia and hematological cancer predisposition syndrome associated with RUNX1. Last evaluated: 2025-01-06. Review status: criteria provided, single submitter. Criteria: Invitae Variant Classification Sherloc (09022015). Collection method: clinical testing. Allele origin: germline. Not counted in ClinVar's aggregate classification.
Comment: This sequence change replaces aspartic acid, which is acidic and polar, with tyrosine, which is neutral and polar, at codon 198 of the RUNX1 protein (p.Asp198Tyr). This variant is not present in population databases (gnomAD no frequency). This missense change has been observed in individual(s) with familial platelet disorder with associated myeloid malignancy (PMID: 11675361). It has also been observed to segregate with disease in related individuals. ClinVar contains an entry for this variant (Variation ID: 2665098). Invitae Evidence Modeling of protein sequence and biophysical properties (such as structural, functional, and spatial information, amino acid conservation, physicochemical variation, residue mobility, and thermodynamic stability) has been performed for this missense variant. However, the output from this modeling did not meet the statistical confidence thresholds required to predict the impact of this variant on RUNX1 protein function. Experimental studies have shown that this missense change affects RUNX1 function (PMID: 23848403). This variant disrupts the p.Asp198 amino acid residue in RUNX1. Other variant(s) that disrupt this residue have been determined to be pathogenic (PMID: 12393679, 18192504, 19850737, 23471304). This suggests that this residue is clinically significant, and that variants that disrupt this residue are likely to be disease-causing. In summary, the currently available evidence indicates that the variant is pathogenic, but additional data are needed to prove that conclusively. Therefore, this variant has been classified as Likely Pathogenic.

Literature cited by the submitters: PubMed 17290219 (cited by ClinGen Myeloid Malignancy Variant Curation Expert Panel); PubMed 23848403 (cited by ClinGen Myeloid Malignancy Variant Curation Expert Panel and Labcorp Genetics (formerly Invitae), Labcorp); PubMed 11675361 (cited by Labcorp Genetics (formerly Invitae), Labcorp); PubMed 12393679 (cited by Labcorp Genetics (formerly Invitae), Labcorp); PubMed 18192504 (cited by Labcorp Genetics (formerly Invitae), Labcorp); PubMed 19850737 (cited by Labcorp Genetics (formerly Invitae), Labcorp); PubMed 23471304 (cited by Labcorp Genetics (formerly Invitae), Labcorp).